The following is an entry in ClinVar:

ClinVar aggregate classification (germline): Benign/Likely benign. Review status: criteria provided, multiple submitters, no conflicts (2 of 4 stars). 4 submissions from 4 submitters: Benign (1); Likely benign (3). Last evaluated 2025-04-11.

Conditions:
BAP1-related tumor predisposition syndrome (TPDS1). Also called: Tumor susceptibility linked to germline BAP1 mutations; BAP1 tumor predisposition syndrome; COMMON Syndrome; TUMOR PREDISPOSITION SYNDROME 1. Identifiers: Orphanet 289539, MedGen C3280492, MONDO:0013692, OMIM 614327.
Hereditary cancer-predisposing syndrome. Also called: Neoplastic Syndromes, Hereditary; Tumor predisposition; Hereditary Cancer Syndrome; Hereditary neoplastic syndrome. Identifiers: Orphanet 140162, MedGen C0027672, MeSH D009386, MONDO:0015356.

Allele frequency attached by ClinVar (database versions not stated): gnomAD exomes below 0.00001; gnomAD 0.00001; TOPMed 0.00001.
gnomAD v4.1: 6 of 1,613,372 alleles (0.00037%); highest among the groups gnomAD compares: African/African-American, 0.0027%; no homozygotes.

Submissions (4):

Labcorp Genetics (formerly Invitae), Labcorp
Classification: Likely benign for BAP1-related tumor predisposition syndrome. Last evaluated: 2025-04-11. Review status: criteria provided, single submitter. Criteria: Invitae Variant Classification Sherloc (09022015). Collection method: clinical testing. Allele origin: germline.

Myriad Genetics, Inc.
Classification: Benign for BAP1-related tumor predisposition syndrome. Last evaluated: 2024-07-17. Review status: criteria provided, single submitter. Criteria: Myriad Autosomal Dominant, Autosomal Recessive and X-Linked Classification Criteria (2023). Collection method: clinical testing. Allele origin: unknown.
Comment: This variant is considered benign. This variant is a silent/synonymous amino acid change and it is not expected to impact splicing.

Color Diagnostics, LLC DBA Color Health
Classification: Likely benign for Hereditary cancer-predisposing syndrome. Last evaluated: 2018-03-06. Review status: criteria provided, single submitter. Criteria: ACMG Guidelines, 2015. Collection method: clinical testing. Allele origin: germline.

Ambry Genetics
Classification: Likely benign for Hereditary cancer-predisposing syndrome. Last evaluated: 2016-04-19. Review status: criteria provided, single submitter. Criteria: Ambry Variant Classification Scheme 2023. Collection method: clinical testing. Allele origin: germline.

NM_004656.4(BAP1):c.1881C>T (p.Tyr627=)

Gene: BAP1 (BRCA1 associated deubiquitinase 1; minus strand). Cytogenetic location: 3p21.1.
Variant type: single nucleotide variant.
Coding change: c.1881C>T on transcript NM_004656.4 (MANE Select); coding-DNA position 1881, C replaced by T.
Protein change: p.Tyr627=; no amino-acid change (tyrosine 627 retained).
Molecular consequence: synonymous variant.
Genome position (GRCh38, 1-based): chr3:52,403,147, G>A on the plus strand (C>T on the coding strand, the complement: BAP1 is on the minus strand). VCF-style: chr3-52403147-G-A. GRCh37 (hg19) VCF-style: chr3-52437163-G-A.
Other names: c.1881C>T (LRG_529t1).
Identifiers: ClinVar variation 485284 (VCV000485284.16), dbSNP rs964152039, ClinGen allele CA74740304.